The following is an entry in ClinVar:

NM_005422.4(TECTA):c.3857C>T (p.Pro1286Leu)

Genes: TBCEL-TECTA (TBCEL-TECTA readthrough; plus strand), TECTA (tectorin alpha; plus strand). Cytogenetic location: 11q23.3.
Variant type: single nucleotide variant.
Coding change: c.3857C>T on transcript NM_005422.4 (MANE Select); coding-DNA position 3857, C replaced by T.
Protein change: p.Pro1286Leu; replaces proline 1286 with leucine.
Molecular consequence: missense variant.
Genome position (GRCh38, 1-based): chr11:121,145,868, C>T. VCF-style: chr11-121145868-C-T. GRCh37 (hg19) VCF-style: chr11-121016577-C-T.
Other names: c.4814C>T, p.Pro1605Leu (NM_001378761.1); short protein forms P1286L, P1605L.
Identifiers: ClinVar variation 440328 (VCV000440328.15), dbSNP rs770133038, ClinGen allele CA6327301.

ClinVar aggregate classification (germline): Uncertain significance. Review status: criteria provided, multiple submitters, no conflicts (2 of 4 stars). 3 submissions from 3 submitters: Uncertain significance (3). Last evaluated 2021-05-07.

Allele frequency attached by ClinVar (database versions not stated): TOPMed below 0.00001; ExAC 0.00002; gnomAD 0.00001; gnomAD exomes 0.00002.
gnomAD v4.1: 33 of 1,614,120 alleles (0.002%); highest among the groups gnomAD compares: Admixed American, 0.0033%; no homozygotes.

Submissions (3):

GeneDx
Classification: Uncertain significance. Last evaluated: 2021-05-07. Review status: criteria provided, single submitter. Criteria: GeneDx Variant Classification Process June 2021. Collection method: clinical testing. Allele origin: germline. Affected: yes.
Comment: In silico analysis supports that this missense variant has a deleterious effect on protein structure/function; Has not been previously published as pathogenic or benign to our knowledge

Laboratory for Molecular Medicine, Mass General Brigham Personalized Medicine
Classification: Uncertain significance. Last evaluated: 2017-06-06. Review status: criteria provided, single submitter. Criteria: LMM Criteria. Collection method: clinical testing. Allele origin: germline. Observed: 2 variant alleles.
Comment: The p.Pro1286Leu variant in TECTA has not been previously reported in individual s with hearing loss. This variant has been identified in 5/111700 European chro mosomes by the Genome Aggregation Database (gnomAD .org; dbSNP rs770133038); however, this frequency is not high enough to rule out a pathogenic role. Computational prediction tools and conservation analysis do not provide strong support for or against an impact to the protein. In summary, the clinical significance of the p.Pro1286Leu variant is uncertain.

ARUP Laboratories, Molecular Genetics and Genomics, ARUP Laboratories
Classification: Uncertain significance. Last evaluated: 2017-01-05. Review status: criteria provided, single submitter. Criteria: ARUP Molecular Germline Variant Investigation Process. Collection method: clinical testing. Allele origin: germline.